The following is an entry in ClinVar:

ClinVar aggregate classification (germline): Uncertain significance (1 of 4 stars; one submission).

gnomAD v4.1: 2 of 1,550,302 alleles (0.00013%); highest among the groups gnomAD compares: Non-Finnish European, 0.00017%; no homozygotes.

Submission:

Labcorp Genetics (formerly Invitae), Labcorp
Classification: Uncertain significance. Last evaluated: 2025-11-16. Review status: criteria provided, single submitter. Criteria: Invitae Variant Classification Sherloc (09022015). Collection method: clinical testing. Allele origin: germline.
Comment: This sequence change creates a premature translational stop signal (p.Gln1224*) in the ERBIN gene. It is expected to result in an absent or disrupted protein product. However, the current clinical and genetic evidence is not sufficient to establish whether loss-of-function variants in ERBIN cause disease. This variant is not present in population databases (gnomAD no frequency). This variant has not been reported in the literature in individuals affected with ERBIN-related conditions. In summary, the available evidence is currently insufficient to determine the role of this variant in disease. Therefore, it has been classified as a Variant of Uncertain Significance.

NM_001253697.2(ERBIN):c.3670C>T (p.Gln1224Ter)

Gene: ERBIN (erbb2 interacting protein; plus strand). Cytogenetic location: 5q12.3.
Variant type: single nucleotide variant.
Coding change: c.3670C>T on transcript NM_001253697.2 (MANE Select); coding-DNA position 3670, C replaced by T.
Protein change: p.Gln1224Ter; replaces glutamine 1224 with a stop codon.
Molecular consequence: nonsense. On other transcripts: intron variant (5).
Genome position (GRCh38, 1-based): chr5:66,072,205, C>T. VCF-style: chr5-66072205-C-T. GRCh37 (hg19) VCF-style: chr5-65368033-C-T.
Other names: c.3778-2819C>T (NM_001253699.2); c.3634-2819C>T (NM_018695.4, NM_001253698.2); c.3634-4111C>T (NM_001006600.3); c.3622-2819C>T (NM_001253701.2); short protein forms Q1224*.
Identifiers: ClinVar variation 4777195 (VCV004777195.1).